The following is an entry in ClinVar:

ClinVar aggregate classification (germline): Uncertain significance. Review status: criteria provided, multiple submitters, no conflicts (2 of 4 stars). 2 submissions from 2 submitters: Uncertain significance (2). Last evaluated 2025-10-29.

Submissions (2):

Labcorp Genetics (formerly Invitae), Labcorp
Classification: Uncertain significance. Last evaluated: 2025-10-29. Review status: criteria provided, single submitter. Criteria: Invitae Variant Classification Sherloc (09022015). Collection method: clinical testing. Allele origin: germline.
Comment: This sequence change replaces threonine, which is neutral and polar, with proline, which is neutral and non-polar, at codon 431 of the SLC4A1 protein (p.Thr431Pro). This variant is not present in population databases (gnomAD no frequency). This variant has not been reported in the literature in individuals affected with SLC4A1-related conditions. Invitae Evidence Modeling of protein sequence and biophysical properties (such as structural, functional, and spatial information, amino acid conservation, physicochemical variation, residue mobility, and thermodynamic stability) indicates that this missense variant is expected to disrupt SLC4A1 protein function with a positive predictive value of 80%. In summary, the available evidence is currently insufficient to determine the role of this variant in disease. Therefore, it has been classified as a Variant of Uncertain Significance.

Mayo Clinic Laboratories, Mayo Clinic
Classification: Uncertain significance. Last evaluated: 2025-05-20. Review status: criteria provided, single submitter. Criteria: ACMG Guidelines, 2015. Collection method: clinical testing. Allele origin: germline. Observed: 1 variant allele.
Comment: PP3_moderate, PM2_supporting

NM_000342.4(SLC4A1):c.1291A>C (p.Thr431Pro)

Gene: SLC4A1 (solute carrier family 4 member 1 (Diego blood group); minus strand). Cytogenetic location: 17q21.31.
Variant type: single nucleotide variant.
Coding change: c.1291A>C on transcript NM_000342.4 (MANE Select); coding-DNA position 1291, A replaced by C.
Protein change: p.Thr431Pro; replaces threonine 431 with proline.
Molecular consequence: missense variant.
Genome position (GRCh38, 1-based): chr17:44,257,799, T>G on the plus strand (A>C on the coding strand, the complement: SLC4A1 is on the minus strand). VCF-style: chr17-44257799-T-G. GRCh37 (hg19) VCF-style: chr17-42335167-T-G.
Other names: p.Thr431Pro; short protein forms T431P.
Identifiers: ClinVar variation 4542171 (VCV004542171.2).